The following is an entry in ClinVar:

ClinVar aggregate classification (germline): Uncertain significance (1 of 4 stars; one submission).

Conditions:
Hereditary cancer-predisposing syndrome. Also called: Hereditary Cancer Syndrome; Hereditary neoplastic syndrome; Neoplastic Syndromes, Hereditary; Tumor predisposition. Identifiers: Orphanet 140162, MedGen C0027672, MeSH D009386, MONDO:0015356.

Submission:

Ambry Genetics
Classification: Uncertain significance for Hereditary cancer-predisposing syndrome. Last evaluated: 2022-10-15. Review status: criteria provided, single submitter. Criteria: Ambry Variant Classification Scheme 2023. Collection method: clinical testing. Allele origin: germline.
Comment: The p.D47Y variant (also known as c.139G>T), located in coding exon 1 of the SUFU gene, results from a G to T substitution at nucleotide position 139. The aspartic acid at codon 47 is replaced by tyrosine, an amino acid with highly dissimilar properties. This amino acid position is conserved. In addition, the in silico prediction for this alteration is inconclusive. Since supporting evidence is limited at this time, the clinical significance of this alteration remains unclear.

NM_016169.4(SUFU):c.139G>T (p.Asp47Tyr)

Gene: SUFU (SUFU negative regulator of hedgehog signaling; plus strand). Cytogenetic location: 10q24.32.
Variant type: single nucleotide variant.
Coding change: c.139G>T on transcript NM_016169.4 (MANE Select); coding-DNA position 139, G replaced by T.
Protein change: p.Asp47Tyr; replaces aspartic acid 47 with tyrosine.
Molecular consequence: missense variant.
Genome position (GRCh38, 1-based): chr10:102,504,291, G>T. VCF-style: chr10-102504291-G-T. GRCh37 (hg19) VCF-style: chr10-104264048-G-T.
Other names: c.139G>T, p.Asp47Tyr (NM_001178133.2); short protein forms D47Y.
Identifiers: ClinVar variation 1771744 (VCV001771744.2), dbSNP rs2062292973, ClinGen allele CA377886603.